The following is an entry in ClinVar:

ClinVar aggregate classification (germline): Uncertain significance. Review status: criteria provided, multiple submitters, no conflicts (2 of 4 stars). 2 submissions from 2 submitters: Uncertain significance (2). Last evaluated 2025-03-22.

Conditions:
Hereditary cancer-predisposing syndrome. Also called: Hereditary neoplastic syndrome; Neoplastic Syndromes, Hereditary; Tumor predisposition; Hereditary Cancer Syndrome. Identifiers: Orphanet 140162, MedGen C0027672, MeSH D009386, MONDO:0015356.
Fanconi anemia complementation group J. Also called: BRIP1-Related Fanconi Anemia. Identifiers: Orphanet 84, MedGen C1836860, MONDO:0012187, OMIM 609054.
Familial cancer of breast. Also called: BREAST CANCER, FAMILIAL; hereditary breast carcinoma; Hereditary breast cancer. Identifiers: Orphanet 227535, MedGen C0346153, MONDO:0016419, OMIM 114480. Disease mechanism: loss of function.

gnomAD v4.1: 2 of 1,611,120 alleles (0.00012%); no homozygotes.

Submissions (2):

Ambry Genetics
Classification: Uncertain significance for Hereditary cancer-predisposing syndrome. Last evaluated: 2025-03-22. Review status: criteria provided, single submitter. Criteria: Ambry Variant Classification Scheme 2023. Collection method: clinical testing. Allele origin: germline.
Comment: The p.Y311F variant (also known as c.932A>T), located in coding exon 7 of the BRIP1 gene, results from an A to T substitution at nucleotide position 932. The tyrosine at codon 311 is replaced by phenylalanine, an amino acid with highly similar properties. This amino acid position is not well conserved in available vertebrate species. In addition, this alteration is predicted to be tolerated by in silico analysis. Based on the available evidence, the clinical significance of this variant remains unclear.

Labcorp Genetics (formerly Invitae), Labcorp
Classification: Uncertain significance for Familial cancer of breast; Fanconi anemia complementation group J. Last evaluated: 2022-06-27. Review status: criteria provided, single submitter. Criteria: Invitae Variant Classification Sherloc (09022015). Collection method: clinical testing. Allele origin: germline.
Comment: This variant is not present in population databases (gnomAD no frequency). This variant has not been reported in the literature in individuals affected with BRIP1-related conditions. ClinVar contains an entry for this variant (Variation ID: 461187). Algorithms developed to predict the effect of missense changes on protein structure and function are either unavailable or do not agree on the potential impact of this missense change (SIFT: "Tolerated"; PolyPhen-2: "Possibly Damaging"; Align-GVGD: "Class C0"). In summary, the available evidence is currently insufficient to determine the role of this variant in disease. Therefore, it has been classified as a Variant of Uncertain Significance. This sequence change replaces tyrosine, which is neutral and polar, with phenylalanine, which is neutral and non-polar, at codon 311 of the BRIP1 protein (p.Tyr311Phe).

NM_032043.3(BRIP1):c.932A>T (p.Tyr311Phe)

Gene: BRIP1 (BRCA1 interacting DNA helicase 1; minus strand). Cytogenetic location: 17q23.2.
Variant type: single nucleotide variant.
Coding change: c.932A>T on transcript NM_032043.3 (MANE Select); coding-DNA position 932, A replaced by T.
Protein change: p.Tyr311Phe; replaces tyrosine 311 with phenylalanine.
Molecular consequence: missense variant.
Genome position (GRCh38, 1-based): chr17:61,801,461, T>A on the plus strand (A>T on the coding strand, the complement: BRIP1 is on the minus strand). VCF-style: chr17-61801461-T-A. GRCh37 (hg19) VCF-style: chr17-59878822-T-A.
Other names: short protein forms Y311F.
Identifiers: ClinVar variation 461187 (VCV000461187.11), dbSNP rs587782731, ClinGen allele CA400484300.